The following is an entry in ClinVar:

ClinVar aggregate classification (germline): Likely pathogenic (0 of 4 stars; one submission).

Conditions:
Cornea plana 2 (CNA2). Also called: CORNEA PLANA 2, AUTOSOMAL RECESSIVE. Identifiers: Orphanet 53691, MedGen C1857574, MONDO:0009014, OMIM 217300.

Allele frequency attached by ClinVar (database versions not stated): gnomAD 0.00001; gnomAD exomes 0.00001 and 0.00002; TOPMed below 0.00001; ExAC 0.00001.

Submission:

Juha Muilu Group; Institute for Molecular Medicine Finland (FIMM)
Classification: Likely pathogenic for Cornea plana 2. Review status: no assertion criteria provided. Collection method: not provided. Allele origin: unknown.
Comment: FinDis database variant: This variant was not found or characterized by our laboratory, data were collected from public sources: see reference
ClinVar note: Converted during submission from probable-pathogenic to Likely pathogenic.

NM_007035.4(KERA):c.391A>G (p.Asn131Asp)

Gene: KERA (keratocan; minus strand). Cytogenetic location: 12q21.33.
Variant type: single nucleotide variant.
Coding change: c.391A>G on transcript NM_007035.4 (MANE Select); coding-DNA position 391, A replaced by G.
Protein change: p.Asn131Asp; replaces asparagine 131 with aspartic acid.
Molecular consequence: missense variant.
Genome position (GRCh38, 1-based): chr12:91,055,891, T>C on the plus strand (A>G on the coding strand, the complement: KERA is on the minus strand). VCF-style: chr12-91055891-T-C. GRCh37 (hg19) VCF-style: chr12-91449668-T-C.
Other names: short protein forms N131D.
Identifiers: ClinVar variation 56549 (VCV000056549.2), dbSNP rs386833985, ClinGen allele CA144356.
Genomic context (GRCh38, chr12:91,055,891, plus strand): 5'-TAGCTAATTGTAATTGTTCTAAACTTCTTGGCAATGGAGAAGGTACCTCCTCTAGCTCAT[T>C]ATCTTCCAGAAATAAGAAGAGCAACTTCTTCAGCTGGCTTAGGGCTCCTTTTTCAATTCC-3'
Protein context (NP_008966.1, residues 121-141): KKLLFLFLED[Asn131Asp]ELEEVPSPLP